The following is an entry in ClinVar:

ClinVar aggregate classification (germline): Uncertain significance (1 of 4 stars; one submission).

Allele frequency attached by ClinVar (database versions not stated): gnomAD 0.00001; TOPMed 0.00001; gnomAD exomes 0.00005; ExAC 0.00007.
gnomAD v4.1: 47 of 1,609,526 alleles (0.0029%); highest among the groups gnomAD compares: South Asian, 0.048%; no homozygotes.

Submission:

Labcorp Genetics (formerly Invitae), Labcorp
Classification: Uncertain significance. Last evaluated: 2022-08-31. Review status: criteria provided, single submitter. Criteria: Invitae Variant Classification Sherloc (09022015). Collection method: clinical testing. Allele origin: germline.
Comment: In summary, the available evidence is currently insufficient to determine the role of this variant in disease. Therefore, it has been classified as a Variant of Uncertain Significance. Algorithms developed to predict the effect of missense changes on protein structure and function are either unavailable or do not agree on the potential impact of this missense change (SIFT: "Tolerated"; PolyPhen-2: "Probably Damaging"; Align-GVGD: "Class C0"). ClinVar contains an entry for this variant (Variation ID: 1426251). This variant has not been reported in the literature in individuals affected with ADGRA3-related conditions. This variant is present in population databases (rs772026749, gnomAD 0.04%). This sequence change replaces methionine, which is neutral and non-polar, with isoleucine, which is neutral and non-polar, at codon 797 of the ADGRA3 protein (p.Met797Ile).

NM_145290.4(ADGRA3):c.2391G>A (p.Met797Ile)

Gene: ADGRA3 (adhesion G protein-coupled receptor A3; minus strand). Cytogenetic location: 4p15.2.
Variant type: single nucleotide variant.
Coding change: c.2391G>A on transcript NM_145290.4 (MANE Select); coding-DNA position 2391, G replaced by A.
Protein change: p.Met797Ile; replaces methionine 797 with isoleucine.
Molecular consequence: missense variant.
Genome position (GRCh38, 1-based): chr4:22,401,521, C>T on the plus strand (G>A on the coding strand, the complement: ADGRA3 is on the minus strand). VCF-style: chr4-22401521-C-T. GRCh37 (hg19) VCF-style: chr4-22403144-C-T.
Other names: short protein forms M797I.
Identifiers: ClinVar variation 1426251 (VCV001426251.8), dbSNP rs772026749, ClinGen allele CA2873645.